The following is an entry in ClinVar:

ClinVar aggregate classification (germline): Conflicting classifications of pathogenicity. Review status: criteria provided, conflicting classifications (1 of 4 stars). 2 submissions from 2 submitters: Uncertain significance (1); Likely benign (1). Last evaluated 2025-11-03.

Conditions:
Hermansky-Pudlak syndrome 2 (HPS2). Also called: Platelet defects and oculocutaneous albinism. Identifiers: Orphanet 183678, Orphanet 79430, MedGen C1842362, MONDO:0011997, OMIM 608233.

Allele frequency attached by ClinVar (database versions not stated): gnomAD 0.00001 and 0.00006; TOPMed 0.00001; ExAC 0.00002; gnomAD exomes 0.00002 and 0.00013; 1000 Genomes Project 30x 0.00047; 1000 Genomes Project 0.00060.
gnomAD v4.1: 187 of 1,613,712 alleles (0.012%); highest among the groups gnomAD compares: East Asian, 0.41%; 2 homozygotes.

Submissions (2):

Labcorp Genetics (formerly Invitae), Labcorp
Classification: Uncertain significance for Hermansky-Pudlak syndrome 2. Last evaluated: 2025-11-03. Review status: criteria provided, single submitter. Criteria: Invitae Variant Classification Sherloc (09022015). Collection method: clinical testing. Allele origin: germline.
Comment: This sequence change replaces alanine, which is neutral and non-polar, with valine, which is neutral and non-polar, at codon 474 of the AP3B1 protein (p.Ala474Val). This variant is present in population databases (rs191850940, gnomAD 0.01%). This variant has not been reported in the literature in individuals affected with AP3B1-related conditions. ClinVar contains an entry for this variant (Variation ID: 658640). An algorithm developed to predict the effect of missense changes on protein structure and function outputs the following: PolyPhen-2: "Benign". The valine amino acid residue is found in multiple mammalian species, which suggests that this missense change does not adversely affect protein function. In summary, the available evidence is currently insufficient to determine the role of this variant in disease. Therefore, it has been classified as a Variant of Uncertain Significance.

Illumina Laboratory Services, Illumina
Classification: Likely benign for Hermansky-Pudlak syndrome 2. Last evaluated: 2018-01-13. Review status: criteria provided, single submitter. Criteria: ICSL Variant Classification Criteria 13 December 2019. Collection method: clinical testing. Allele origin: germline.
Comment: This variant was observed in the ICSL laboratory as part of a predisposition screen in an ostensibly healthy population. It had not been previously curated by ICSL or reported in the Human Gene Mutation Database (HGMD: prior to June 1st, 2018), and was therefore a candidate for classification through an automated scoring system. Utilizing variant allele frequency, disease prevalence and penetrance estimates, and inheritance mode, an automated score was calculated to assess if this variant is too frequent to cause the disease. Based on the score and internal cut-off values, a variant classified as likely benign is not then subjected to further curation. The score for this variant resulted in a classification of likely benign for this disease.

NM_003664.5(AP3B1):c.1421C>T (p.Ala474Val)

Gene: AP3B1 (adaptor related protein complex 3 subunit beta 1; minus strand). Cytogenetic location: 5q14.1.
Variant type: single nucleotide variant.
Coding change: c.1421C>T on transcript NM_003664.5 (MANE Select); coding-DNA position 1421, C replaced by T.
Protein change: p.Ala474Val; replaces alanine 474 with valine.
Molecular consequence: missense variant.
Genome position (GRCh38, 1-based): chr5:78,156,310, G>A on the plus strand (C>T on the coding strand, the complement: AP3B1 is on the minus strand). VCF-style: chr5-78156310-G-A. GRCh37 (hg19) VCF-style: chr5-77452134-G-A.
Other names: c.1274C>T, p.Ala425Val (NM_001271769.2); short protein forms A474V, A425V.
Identifiers: ClinVar variation 658640 (VCV000658640.13), dbSNP rs191850940, ClinGen allele CA3317072.
Genomic context (GRCh38, chr5:78,156,310, plus strand): 5'-ATACTCACAGTGATACTGTCCAGGAGTTTGGCCATATGTTTAATAATTTCACCATGTTGT[G>A]CAGGTTGCATTTGCAGTAATTTCTTTATAACAACCACACTTTCAGCAACAACTATTTCTG-3'
Protein context (NP_003655.3, residues 464-484): VIKKLLQMQP[Ala474Val]QHGEIIKHMA